The following is an entry in ClinVar:

NM_001447.3(FAT2):c.6725C>T (p.Thr2242Ile)

Genes: FAT2 (FAT atypical cadherin 2; minus strand), SLC36A1 (solute carrier family 36 member 1; plus strand). Cytogenetic location: 5q33.1.
Variant type: single nucleotide variant.
Coding change: c.6725C>T on transcript NM_001447.3 (MANE Select); coding-DNA position 6725, C replaced by T.
Protein change: p.Thr2242Ile; replaces threonine 2242 with isoleucine.
Molecular consequence: missense variant.
Genome position (GRCh38, 1-based): chr5:151,544,402, G>A on the plus strand (C>T on the coding strand, the complement: FAT2 is on the minus strand). VCF-style: chr5-151544402-G-A. GRCh37 (hg19) VCF-style: chr5-150923963-G-A.
Other names: short protein forms T2242I.
Identifiers: ClinVar variation 3336533 (VCV003336533.1).

ClinVar aggregate classification (germline): Uncertain significance (1 of 4 stars; one submission).

gnomAD v4.1: 2 of 1,614,074 alleles (0.00012%); highest among the groups gnomAD compares: Non-Finnish European, 0.000085%; no homozygotes.

Submission:

Women's Health and Genetics/Laboratory Corporation of America, LabCorp
Classification: Uncertain significance. Last evaluated: 2024-05-16. Review status: criteria provided, single submitter. Criteria: LabCorp Variant Classification Summary - May 2015. Collection method: clinical testing. Allele origin: germline.
Comment: Variant summary: FAT2 c.6725C>T (p.Thr2242Ile) results in a non-conservative amino acid change located in the cadherin-like domain (IPR002126) of the encoded protein sequence. Four of five in-silico tools predict a damaging effect of the variant on protein function. The variant allele was found at a frequency of 4e-06 in 251244 control chromosomes. The available data on variant occurrences in the general population are insufficient to allow any conclusion about variant significance. To our knowledge, no occurrence of c.6725C>T in individuals affected with Spinocerebellar Ataxia 45 and no experimental evidence demonstrating its impact on protein function have been reported. No submitters have cited clinical-significance assessments for this variant to ClinVar. Based on the evidence outlined above, the variant was classified as uncertain significance.